The following is an entry in ClinVar:

NM_000384.3(APOB):c.5967C>T (p.Asn1989=)

Gene: APOB (apolipoprotein B; minus strand). Cytogenetic location: 2p24.1.
Variant type: single nucleotide variant.
Coding change: c.5967C>T on transcript NM_000384.3 (MANE Select); coding-DNA position 5967, C replaced by T.
Protein change: p.Asn1989=; no amino-acid change (asparagine 1989 retained).
Molecular consequence: synonymous variant.
Genome position (GRCh38, 1-based): chr2:21,010,901, G>A on the plus strand (C>T on the coding strand, the complement: APOB is on the minus strand). VCF-style: chr2-21010901-G-A. GRCh37 (hg19) VCF-style: chr2-21233773-G-A.
Identifiers: ClinVar variation 1750757 (VCV001750757.21), dbSNP rs753427312, ClinGen allele CA062676.

ClinVar aggregate classification (germline): Likely benign. Review status: criteria provided, multiple submitters, no conflicts (2 of 4 stars). 3 submissions from 3 submitters: Likely benign (3). Last evaluated 2025-12-01.

Conditions:
Cardiovascular phenotype. Identifiers: MedGen CN230736.
Familial hypobetalipoproteinemia 1. Also called: Hypobetalipoproteinemia, normotriglyceridemic; Acanthocytosis with hypobetalipoproteinemia; APOB-Related Familial Hypobetalipoproteinemia. Identifiers: MedGen C4551990, MONDO:0014252, OMIM 615558.
Hypercholesterolemia, autosomal dominant, type B (FHCL2). Also called: Hyperlipoproteinemia Type IIb; Familial hypercholesterolemia 2; Familial Hypercholesterolemia Type B; APOLIPOPROTEIN B-100, FAMILIAL DEFECTIVE; APOLIPOPROTEIN B-100, FAMILIAL LIGAND-DEFECTIVE; HYPERCHOLESTEROLEMIA, FAMILIAL, DUE TO LIGAND-DEFECTIVE APOLIPOPROTEIN B. Identifiers: MedGen C1704417, MONDO:0007751, OMIM 144010.

Allele frequency attached by ClinVar (database versions not stated): ExAC 0.00001.
gnomAD v4.1: 4 of 1,614,134 alleles (0.00025%); highest among the groups gnomAD compares: Non-Finnish European, 0.00025%; no homozygotes.

Submissions (3):

CeGaT Center for Human Genetics Tuebingen
Classification: Likely benign. Last evaluated: 2025-12-01. Review status: criteria provided, single submitter. Criteria: CeGaT Center For Human Genetics Tuebingen Variant Classification Criteria Version 2. Collection method: clinical testing. Allele origin: germline. Affected: yes. Observed: 2 variant alleles.
Comment: APOB: BP4, BP7

Labcorp Genetics (formerly Invitae), Labcorp
Classification: Likely benign for Familial hypobetalipoproteinemia 1; Hypercholesterolemia, autosomal dominant, type B. Last evaluated: 2023-08-07. Review status: criteria provided, single submitter. Criteria: Invitae Variant Classification Sherloc (09022015). Collection method: clinical testing. Allele origin: germline.

Ambry Genetics
Classification: Likely benign for Cardiovascular phenotype. Last evaluated: 2021-05-19. Review status: criteria provided, single submitter. Criteria: Ambry Variant Classification Scheme 2023. Collection method: clinical testing. Allele origin: germline.